The following is an entry in ClinVar:

NM_004104.5(FASN):c.2329C>T (p.Pro777Ser)

Gene: FASN (fatty acid synthase; minus strand). Cytogenetic location: 17q25.3.
Variant type: single nucleotide variant.
Coding change: c.2329C>T on transcript NM_004104.5 (MANE Select); coding-DNA position 2329, C replaced by T.
Protein change: p.Pro777Ser; replaces proline 777 with serine.
Molecular consequence: missense variant.
Genome position (GRCh38, 1-based): chr17:82,088,852, G>A on the plus strand (C>T on the coding strand, the complement: FASN is on the minus strand). VCF-style: chr17-82088852-G-A. GRCh37 (hg19) VCF-style: chr17-80046728-G-A.
Other names: short protein forms P777S.
Identifiers: ClinVar variation 4806459 (VCV004806459.1).

ClinVar aggregate classification (germline): Uncertain significance (1 of 4 stars; one submission).

Conditions:
Epileptic encephalopathy. Identifiers: MedGen C0543888, HP:0200134.

gnomAD v4.1: 2 of 1,612,438 alleles (0.00012%); highest among the groups gnomAD compares: Middle Eastern, 0.016%; no homozygotes.

Submission:

Labcorp Genetics (formerly Invitae), Labcorp
Classification: Uncertain significance for Epileptic encephalopathy. Last evaluated: 2025-04-22. Review status: criteria provided, single submitter. Criteria: Invitae Variant Classification Sherloc (09022015). Collection method: clinical testing. Allele origin: germline.
Comment: This sequence change replaces proline, which is neutral and non-polar, with serine, which is neutral and polar, at codon 777 of the FASN protein (p.Pro777Ser). This variant is not present in population databases (gnomAD no frequency). This variant has not been reported in the literature in individuals affected with FASN-related conditions. An algorithm developed to predict the effect of missense changes on protein structure and function outputs the following: PolyPhen-2: "Benign". The serine amino acid residue is found in multiple mammalian species, which suggests that this missense change does not adversely affect protein function. In summary, the available evidence is currently insufficient to determine the role of this variant in disease. Therefore, it has been classified as a Variant of Uncertain Significance.